The following is an entry in ClinVar:

NM_000090.4(COL3A1):c.1869+5G>A

Gene: COL3A1 (collagen type III alpha 1 chain; plus strand). Cytogenetic location: 2q32.2.
Variant type: single nucleotide variant.
Coding change: c.1869+5G>A on transcript NM_000090.4 (MANE Select); 5 bases into the intron after coding-DNA position 1869, G replaced by A.
Molecular consequence: intron variant.
Genome position (GRCh38, 1-based): chr2:188,997,394, G>A. VCF-style: chr2-188997394-G-A. GRCh37 (hg19) VCF-style: chr2-189862120-G-A.
Other names: IVS27DS, G-A, +5.
Identifiers: ClinVar variation 17222 (VCV000017222.4), dbSNP rs397509376, ClinGen allele CA004656.
Genomic context (GRCh38, chr2:188,997,394, plus strand): 5'-AGGGTCCTCCTGGAAAGAATGGTGAAACTGGACCTCAGGGACCCCCAGGGCCTACTGTAA[G>A]TTCACTCATATAAAATTGGAGATGAAAATAGGGTGGAGGTGGGGCAGGAAGAATGCTTCA-3'

ClinVar aggregate classification (germline): Pathogenic. Review status: criteria provided, single submitter (1 of 4 stars). 2 submissions from 2 submitters: Pathogenic (1). 1 of the submissions does not count toward it. Last evaluated 2022-11-04.

Conditions:
Ehlers-Danlos syndrome, type 4 (EDSVASC). Also called: Ehlers-Danlos syndrome vascular type; Ehlers Danlos syndrome, ecchymotic type; Ehlers Danlos syndrome, arterial type; Ehlers Danlos syndrome, Sack-Barabas type; Ehlers-Danlos Syndrome Type IV. Identifiers: Orphanet 286, MedGen C0268338, MONDO:0017314, OMIM 130050.

Submissions (2):

Labcorp Genetics (formerly Invitae), Labcorp
Classification: Pathogenic for Ehlers-Danlos syndrome, type 4. Last evaluated: 2022-11-04. Review status: criteria provided, single submitter. Criteria: Invitae Variant Classification Sherloc (09022015). Collection method: clinical testing. Allele origin: germline.
Comment: For these reasons, this variant has been classified as Pathogenic. This variant disrupts the triple helix domain of COL3A1. Glycine residues within the Gly-Xaa-Yaa repeats of the triple helix domain are required for the structure and stability of fibrillar collagens (PMID: 7695699, 8218237, 19344236). In COL3A1, variants that affect these glycine residues are significantly enriched in individuals with disease (PMID: 24922459, 25758994) compared to the general population (ExAC). Variants that disrupt the consensus splice site are a relatively common cause of aberrant splicing (PMID: 17576681, 9536098). Studies have shown that this variant results in skipping of exon 26, but is expected to preserve the integrity of the reading-frame (PMID: 7581395). ClinVar contains an entry for this variant (Variation ID: 17222). This variant is also known as G>A substitution at +5 position of the splice donor site in intron 27. This variant has been observed in individuals with vascular Ehlers-Danlos syndrome (PMID: 7581395, 31600821). This variant is not present in population databases (gnomAD no frequency). This sequence change falls in intron 26 of the COL3A1 gene. It does not directly change the encoded amino acid sequence of the COL3A1 protein. RNA analysis indicates that this variant induces altered splicing and likely results in a shortened protein product.

OMIM
Classification: Pathogenic for EHLERS-DANLOS SYNDROME, VASCULAR TYPE. Last evaluated: 1995-01-01. Review status: no assertion criteria provided. Collection method: literature only. Allele origin: germline. Not counted in ClinVar's aggregate classification.

Literature cited by the submitters: PubMed 7695699 (cited by Labcorp Genetics (formerly Invitae), Labcorp); PubMed 8218237 (cited by Labcorp Genetics (formerly Invitae), Labcorp); PubMed 19344236 (cited by Labcorp Genetics (formerly Invitae), Labcorp); PubMed 24922459 (cited by Labcorp Genetics (formerly Invitae), Labcorp); PubMed 25758994 (cited by Labcorp Genetics (formerly Invitae), Labcorp); PubMed 17576681 (cited by Labcorp Genetics (formerly Invitae), Labcorp); PubMed 9536098 (cited by Labcorp Genetics (formerly Invitae), Labcorp); PubMed 7581395 (cited by Labcorp Genetics (formerly Invitae), Labcorp and OMIM); PubMed 31600821 (cited by Labcorp Genetics (formerly Invitae), Labcorp).